The following is an entry in ClinVar:

NM_001267550.2(TTN):c.81254C>G (p.Ser27085Ter)

Genes: TTN (titin; minus strand), TTN-AS1 (TTN antisense RNA 1; plus strand). Cytogenetic location: 2q31.2.
Variant type: single nucleotide variant.
Coding change: c.81254C>G on transcript NM_001267550.2 (MANE Select); coding-DNA position 81254, C replaced by G.
Protein change: p.Ser27085Ter; replaces serine 27085 with a stop codon.
Molecular consequence: nonsense.
Genome position (GRCh38, 1-based): chr2:178,564,878, G>C on the plus strand (C>G on the coding strand, the complement: TTN is on the minus strand). VCF-style: chr2-178564878-G-C. GRCh37 (hg19) VCF-style: chr2-179429605-G-C.
Other names: c.76331C>G, p.Ser25444Ter (NM_001256850.1); c.54059C>G, p.Ser18020Ter (NM_003319.4); c.73550C>G, p.Ser24517Ter (NM_133378.4); c.54434C>G, p.Ser18145Ter (NM_133432.3); c.54635C>G, p.Ser18212Ter (NM_133437.4); short protein forms S18020*, S24517*, S25444*, S18145*, S27085*, S18212*.
Identifiers: ClinVar variation 941792 (VCV000941792.10), dbSNP rs1705109191, ClinGen allele CA349582284.

ClinVar aggregate classification (germline): Likely pathogenic (1 of 4 stars; one submission).

Conditions:
Dilated cardiomyopathy 1G (CMD1G). Identifiers: Orphanet 154, MedGen C1858763, MONDO:0011400, OMIM 604145.
Autosomal recessive limb-girdle muscular dystrophy type 2J (LGMDR10). Also called: Limb-girdle muscular dystrophy, type 2J; MUSCULAR DYSTROPHY, LIMB-GIRDLE, AUTOSOMAL RECESSIVE 10. Identifiers: Orphanet 140922, MedGen C1837342, MONDO:0012127, OMIM 608807.

Submission:

Labcorp Genetics (formerly Invitae), Labcorp
Classification: Likely pathogenic for Dilated cardiomyopathy 1G; Autosomal recessive limb-girdle muscular dystrophy type 2J. Last evaluated: 2022-03-09. Review status: criteria provided, single submitter. Criteria: Invitae Variant Classification Sherloc (09022015). Collection method: clinical testing. Allele origin: germline.
Comment: This sequence change creates a premature translational stop signal (p.Ser27085*) in the TTN gene. While this is not anticipated to result in nonsense mediated decay, it is expected to create a truncated TTN protein. This variant is not present in population databases (gnomAD no frequency). This variant has not been reported in the literature in individuals affected with TTN-related conditions. ClinVar contains an entry for this variant (Variation ID: 941792). This variant is located in the A band of TTN (PMID: 25589632). Truncating variants in this region are significantly overrepresented in patients affected with dilated cardiomyopathy (PMID: 25589632). Truncating variants in this region have also been reported in individuals affected with autosomal recessive centronuclear myopathy (PMID: 23975875). In summary, the currently available evidence indicates that the variant is pathogenic, but additional data are needed to prove that conclusively. Therefore, this variant has been classified as Likely Pathogenic.

Literature cited by the submitters: PubMed 25589632; PubMed 23975875.